The following is an entry in ClinVar:

NM_022552.5(DNMT3A):c.1015-3C>A

Gene: DNMT3A (DNA methyltransferase 3 alpha; minus strand). Cytogenetic location: 2p23.3.
Variant type: single nucleotide variant.
Coding change: c.1015-3C>A on transcript NM_022552.5 (MANE Select); 3 bases into the intron before coding-DNA position 1015, C replaced by A.
Molecular consequence: intron variant.
Genome position (GRCh38, 1-based): chr2:25,247,161, G>T on the plus strand (C>A on the coding strand, the complement: DNMT3A is on the minus strand). VCF-style: chr2-25247161-G-T. GRCh37 (hg19) VCF-style: chr2-25470030-G-T.
Other names: c.1015-3C>A (NM_175629.2); c.448-3C>A (NM_153759.3); c.559-3C>A (NM_001320893.1); c.346-3C>A (NM_001375819.1).
Identifiers: ClinVar variation 4983016 (VCV004983016.1).

ClinVar aggregate classification (germline): Uncertain significance (1 of 4 stars; one submission).

Conditions:
DNMT3A-related disorder. Also called: DNMT3A-related disorders; DNMT3A-related condition.

gnomAD v4.1: 12 of 1,613,406 alleles (0.00074%); highest among the groups gnomAD compares: Admixed American, 0.0017%; no homozygotes.

Submission:

PreventionGenetics, part of Exact Sciences
Classification: Uncertain significance for DNMT3A-related condition. Last evaluated: 2025-03-21. Review status: criteria provided, single submitter. Criteria: ACMG Guidelines, 2015. Collection method: clinical testing. Allele origin: germline.
Comment: The DNMT3A c.1015-3C>A variant is predicted to interfere with splicing. To our knowledge, this variant has not been reported in the literature. An alternate nucleotide substitution at this position, described as c.1015-3C>G, has been reported in one individual with autism spectrum disorder (reported with the genomic position 2:25247161 in Supplementary Table 20, Fu et al. 2022. PubMed ID: 35982160; Supplementary Data 1 in Zhou et al. 2022. PubMed ID: 35982159). This variant is reported in 0.0029% of alleles in individuals of Latino descent in gnomAD. At this time, the clinical significance of this variant is uncertain due to the absence of conclusive functional and genetic evidence.